The following is an entry in ClinVar:

NM_014402.5(UQCRQ):c.*723A>G

Gene: UQCRQ (ubiquinol-cytochrome c reductase complex III subunit VII; plus strand). Cytogenetic location: 5q31.1.
Variant type: single nucleotide variant.
Coding change: c.*723A>G on transcript NM_014402.5 (MANE Select); 723 bases downstream of the stop codon, A replaced by G.
Molecular consequence: 3 prime UTR variant.
Genome position (GRCh38, 1-based): chr5:132,868,305, A>G. VCF-style: chr5-132868305-A-G. GRCh37 (hg19) VCF-style: chr5-132203997-A-G.
Identifiers: ClinVar variation 350852 (VCV000350852.5), dbSNP rs17166297, ClinGen allele CA10622559.

ClinVar aggregate classification (germline): Benign (1 of 4 stars; one submission).

Conditions:
Mitochondrial complex III deficiency nuclear type 4. Identifiers: MedGen C3554607, MONDO:0014065, OMIM 615159.

Allele frequency attached by ClinVar (database versions not stated): 1000 Genomes Project 0.17073; 1000 Genomes Project 30x 0.17567; TOPMed 0.21594.
gnomAD v4.1: 31,275 of 152,220 alleles (21%); highest among the groups gnomAD compares: African/African-American, 28%; 3,501 homozygotes.

Submission:

Illumina Laboratory Services, Illumina
Classification: Benign for Mitochondrial complex III deficiency nuclear type 4. Last evaluated: 2018-01-13. Review status: criteria provided, single submitter. Criteria: ICSL Variant Classification Criteria 13 December 2019. Collection method: clinical testing. Allele origin: germline.
Comment: This variant was observed in the ICSL laboratory as part of a predisposition screen in an ostensibly healthy population. It had not been previously curated by ICSL or reported in the Human Gene Mutation Database (HGMD: prior to June 1st, 2018), and was therefore a candidate for classification through an automated scoring system. Utilizing variant allele frequency, disease prevalence and penetrance estimates, and inheritance mode, an automated score was calculated to assess if this variant is too frequent to cause the disease. Based on the score and internal cut-off values, a variant classified as benign is not then subjected to further curation. The score for this variant resulted in a classification of benign for this disease.